The following is an entry in ClinVar:

NM_004369.4(COL6A3):c.8045C>G (p.Pro2682Arg)

Gene: COL6A3 (collagen type VI alpha 3 chain; minus strand). Cytogenetic location: 2q37.3.
Variant type: single nucleotide variant.
Coding change: c.8045C>G on transcript NM_004369.4 (MANE Select); coding-DNA position 8045, C replaced by G.
Protein change: p.Pro2682Arg; replaces proline 2682 with arginine.
Molecular consequence: missense variant.
Genome position (GRCh38, 1-based): chr2:237,340,871, G>C on the plus strand (C>G on the coding strand, the complement: COL6A3 is on the minus strand). VCF-style: chr2-237340871-G-C. GRCh37 (hg19) VCF-style: chr2-238249514-G-C.
Other names: c.6224C>G, p.Pro2075Arg (NM_057166.5); c.7427C>G, p.Pro2476Arg (NM_057167.4); short protein forms P2075R, P2476R, P2682R.
Identifiers: ClinVar variation 1690900 (VCV001690900.5), dbSNP rs761740861, ClinGen allele CA351196759.

ClinVar aggregate classification (germline): Uncertain significance. Review status: criteria provided, multiple submitters, no conflicts (2 of 4 stars). 2 submissions from 2 submitters: Uncertain significance (2). Last evaluated 2025-09-04.

Conditions:
Bethlem myopathy 1A. Also called: Bethlem Muscular Dystrophy; MYOPATHY, BENIGN CONGENITAL, WITH CONTRACTURES; Bethlem myopathy 1. Identifiers: Orphanet 610, MedGen CN029274, MONDO:0024530, OMIM 158810.

gnomAD v4.1: 1 of 1,613,854 alleles (0.000062%); highest among the groups gnomAD compares: Non-Finnish European, 0.000085%; no homozygotes.

Submissions (2):

Labcorp Genetics (formerly Invitae), Labcorp
Classification: Uncertain significance for Bethlem myopathy 1A. Last evaluated: 2025-09-04. Review status: criteria provided, single submitter. Criteria: Invitae Variant Classification Sherloc (09022015). Collection method: clinical testing. Allele origin: germline.
Comment: This sequence change replaces proline, which is neutral and non-polar, with arginine, which is basic and polar, at codon 2682 of the COL6A3 protein (p.Pro2682Arg). This variant is not present in population databases (gnomAD no frequency). This variant has not been reported in the literature in individuals affected with COL6A3-related conditions. ClinVar contains an entry for this variant (Variation ID: 1690900). Invitae Evidence Modeling of protein sequence and biophysical properties (such as structural, functional, and spatial information, amino acid conservation, physicochemical variation, residue mobility, and thermodynamic stability) indicates that this missense variant is not expected to disrupt COL6A3 protein function with a negative predictive value of 80%. In summary, the available evidence is currently insufficient to determine the role of this variant in disease. Therefore, it has been classified as a Variant of Uncertain Significance.

Laboratorio de Genetica e Diagnostico Molecular, Hospital Israelita Albert Einstein
Classification: Uncertain significance. Last evaluated: 2019-05-16. Review status: criteria provided, single submitter. Criteria: ACMG Guidelines, 2015. Collection method: clinical testing. Allele origin: germline. Affected: yes.
Comment: ACMG classification criteria: PM2, PP3